The following is an entry in ClinVar:

NM_007294.4(BRCA1):c.896T>C (p.Val299Ala)

Gene: BRCA1 (BRCA1 DNA repair associated; minus strand). Cytogenetic location: 17q21.31.
Variant type: single nucleotide variant.
Coding change: c.896T>C on transcript NM_007294.4 (MANE Select); coding-DNA position 896, T replaced by C.
Protein change: p.Val299Ala; replaces valine 299 with alanine.
Molecular consequence: missense variant. On other transcripts: intron variant (137).
Genome position (GRCh38, 1-based): chr17:43,094,635, A>G on the plus strand (T>C on the coding strand, the complement: BRCA1 is on the minus strand). VCF-style: chr17-43094635-A-G. GRCh37 (hg19) VCF-style: chr17-41246652-A-G.
Other names: c.686T>C, p.Val229Ala (NM_001407886.1, NM_001407887.1, NM_001407889.1 and 13 more transcripts); c.683T>C, p.Val228Ala (NM_001407894.1, NM_001407895.1, NM_001407896.1 and 9 more transcripts); c.773T>C, p.Val258Ala (NM_001407919.1, NM_001407937.1, NM_001407938.1 and 19 more transcripts); c.632T>C, p.Val211Ala (NM_001407920.1, NM_001407921.1, NM_001407922.1 and 9 more transcripts); c.629T>C, p.Val210Ala (NM_001407930.1, NM_001407931.1, NM_001407932.1 and 2 more transcripts); c.770T>C, p.Val257Ala (NM_001407940.1, NM_001407941.1, NM_001407649.1 and 11 more transcripts); c.755T>C, p.Val252Ala (NM_001407942.1, NM_001407944.1, NM_001407945.1 and 29 more transcripts); c.752T>C, p.Val251Ala (NM_001407943.1, NM_001407964.1, NM_001407740.1 and 20 more transcripts); and 40 more; short protein forms V252A, V299A, V188A, V210A, V211A, V273A, V296A, V298A.
Identifiers: ClinVar variation 822857 (VCV000822857.18), dbSNP rs1597879349, ClinGen allele CA10600282.

ClinVar aggregate classification (germline): Conflicting classifications of pathogenicity. Review status: criteria provided, conflicting classifications (1 of 4 stars). 3 submissions from 3 submitters: Uncertain significance (2); Likely benign (1). Last evaluated 2025-04-25.

Conditions:
Hereditary cancer-predisposing syndrome. Also called: Tumor predisposition; Hereditary Cancer Syndrome; Neoplastic Syndromes, Hereditary; Hereditary neoplastic syndrome. Identifiers: Orphanet 140162, MedGen C0027672, MeSH D009386, MONDO:0015356.
Hereditary breast ovarian cancer syndrome. Also called: Hereditary breast and ovarian cancer; Breast and ovarian cancer; Hereditary breast and/or ovarian cancer syndrome; Hereditary breast and ovarian cancer syndrome; BRCA1- and BRCA2-Associated Hereditary Breast and Ovarian Cancer; Hereditary breast and ovarian cancer syndrome (HBOC). Identifiers: Orphanet 145, MedGen C0677776, MeSH D061325, MONDO:0003582. Disease mechanism: loss of function.

Submissions (3):

Ambry Genetics
Classification: Uncertain significance for Hereditary cancer-predisposing syndrome. Last evaluated: 2025-04-25. Review status: criteria provided, single submitter. Criteria: Ambry Variant Classification Scheme 2023. Collection method: clinical testing. Allele origin: germline.
Comment: The p.V299A variant (also known as c.896T>C), located in coding exon 9 of the BRCA1 gene, results from a T to C substitution at nucleotide position 896. The valine at codon 299 is replaced by alanine, an amino acid with similar properties. This amino acid position is not well conserved in available vertebrate species. In addition, the in silico prediction for this alteration is inconclusive. Since supporting evidence is limited at this time, the clinical significance of this alteration remains unclear.

Labcorp Genetics (formerly Invitae), Labcorp
Classification: Uncertain significance for Hereditary breast ovarian cancer syndrome. Last evaluated: 2025-02-05. Review status: criteria provided, single submitter. Criteria: Invitae Variant Classification Sherloc (09022015). Collection method: clinical testing. Allele origin: germline.
Comment: This sequence change replaces valine, which is neutral and non-polar, with alanine, which is neutral and non-polar, at codon 299 of the BRCA1 protein (p.Val299Ala). This variant is not present in population databases (gnomAD no frequency). This variant has not been reported in the literature in individuals affected with BRCA1-related conditions. ClinVar contains an entry for this variant (Variation ID: 822857). Invitae Evidence Modeling of protein sequence and biophysical properties (such as structural, functional, and spatial information, amino acid conservation, physicochemical variation, residue mobility, and thermodynamic stability) indicates that this missense variant is not expected to disrupt BRCA1 protein function with a negative predictive value of 80%. In summary, the available evidence is currently insufficient to determine the role of this variant in disease. Therefore, it has been classified as a Variant of Uncertain Significance.

University of Washington Department of Laboratory Medicine, University of Washington
Classification: Likely benign for Hereditary cancer-predisposing syndrome. Last evaluated: 2023-03-23. Review status: criteria provided, single submitter. Criteria: Dines et al. (Genet Med. 2020). Collection method: curation. Allele origin: germline.
Comment: Missense variant in a coldspot region where missense variants are very unlikely to be pathogenic (PMID:31911673).

BRCA1 coldspot (exon 11 using historical exon numbering). Reclassification based on statistical prior probability